The following is an entry in ClinVar:

ClinVar aggregate classification (germline): Pathogenic/Likely pathogenic. Review status: criteria provided, multiple submitters, no conflicts (2 of 4 stars). 2 submissions from 2 submitters: Pathogenic (1); Likely pathogenic (1). Last evaluated 2025-03-25.

Conditions:
Chédiak-Higashi syndrome (CHS). Also called: Chediak-Higashi Syndrome. Identifiers: Orphanet 167, MedGen C0007965, MONDO:0008963, OMIM 214500.

Submissions (2):

Labcorp Genetics (formerly Invitae), Labcorp
Classification: Pathogenic for Chédiak-Higashi syndrome. Last evaluated: 2025-03-25. Review status: criteria provided, single submitter. Criteria: Invitae Variant Classification Sherloc (09022015). Collection method: clinical testing. Allele origin: germline.
Comment: This sequence change creates a premature translational stop signal (p.Glu3074Phefs*8) in the LYST gene. It is expected to result in an absent or disrupted protein product. Loss-of-function variants in LYST are known to be pathogenic (PMID: 9215679, 11857544). This variant is not present in population databases (gnomAD no frequency). This variant has not been reported in the literature in individuals affected with LYST-related conditions. ClinVar contains an entry for this variant (Variation ID: 2676352). For these reasons, this variant has been classified as Pathogenic.

Baylor Genetics
Classification: Likely pathogenic for Chédiak-Higashi syndrome. Last evaluated: 2023-06-05. Review status: criteria provided, single submitter. Criteria: ACMG Guidelines, 2015. Collection method: clinical testing. Allele origin: unknown.

Literature cited by the submitters: PubMed 9215679 (cited by Labcorp Genetics (formerly Invitae), Labcorp); PubMed 11857544 (cited by Labcorp Genetics (formerly Invitae), Labcorp).

NM_000081.4(LYST):c.9219_9222del (p.Glu3074fs)

Gene: LYST (lysosomal trafficking regulator; minus strand). Cytogenetic location: 1q42.3.
Variant type: Deletion.
Coding change: c.9219_9222del on transcript NM_000081.4 (MANE Select); coding-DNA positions 9219 to 9222, 4 bases deleted (AGAA; older notation c.9219_9222delAGAA).
Protein change: p.Glu3074fs; shifts the reading frame from glutamic acid 3074.
Molecular consequence: frameshift variant.
Genome position (GRCh38, 1-based): chr1:235,724,121-235,724,124, TTCT deleted on the plus strand (AGAA on the coding strand, the reverse complement: LYST is on the minus strand); deleting any 4 consecutive bases within chr1:235,724,121-235,724,126 gives the same sequence; the c. name uses the placement nearest the transcript's 3' end. VCF-style (leftmost placement, unchanged base first): chr1-235724120-CTTCT-C. GRCh37 (hg19) VCF-style: chr1-235887420-CTTCT-C.
Other names: c.9219_9222del, p.Glu3074fs (NM_001301365.1); short protein forms E3074fs.
Identifiers: ClinVar variation 2676352 (VCV002676352.4), dbSNP rs1394834891, ClinGen allele CA733081889.